The following is an entry in ClinVar:

NM_006734.4(HIVEP2):c.4508A>C (p.Glu1503Ala)

Gene: HIVEP2 (HIVEP zinc finger 2; minus strand). Cytogenetic location: 6q24.2.
Variant type: single nucleotide variant.
Coding change: c.4508A>C on transcript NM_006734.4 (MANE Select); coding-DNA position 4508, A replaced by C.
Protein change: p.Glu1503Ala; replaces glutamic acid 1503 with alanine.
Molecular consequence: missense variant.
Genome position (GRCh38, 1-based): chr6:142,770,231, T>G on the plus strand (A>C on the coding strand, the complement: HIVEP2 is on the minus strand). VCF-style: chr6-142770231-T-G. GRCh37 (hg19) VCF-style: chr6-143091368-T-G.
Other names: short protein forms E1503A.
Identifiers: ClinVar variation 1315263 (VCV001315263.4), dbSNP rs2114646130, ClinGen allele CA365899902.
Genomic context (GRCh38, chr6:142,770,231, plus strand): 5'-GATGAGGAGGGCGACAGCGAGGAGAAGGAAGATGACCCTGACTGCAAGCCATCTTTTGGC[T>G]CAGAAGCACATCCTTGTCGAACCAGCTGGGGTTTCTGGGGGCGGGAGAGGTCCTTTTTGA-3'
Protein context (NP_006725.3, residues 1493-1513): PQLVRQGCAS[Glu1503Ala]PKDGLQSGSS

ClinVar aggregate classification (germline): Uncertain significance. Review status: criteria provided, multiple submitters, no conflicts (2 of 4 stars). 2 submissions from 2 submitters: Uncertain significance (2). Last evaluated 2023-06-06.

Submissions (2):

GeneDx
Classification: Uncertain significance. Last evaluated: 2023-06-06. Review status: criteria provided, single submitter. Criteria: GeneDx Variant Classification Process June 2021. Collection method: clinical testing. Allele origin: germline. Affected: yes.
Comment: Not observed in large population cohorts (gnomAD); In silico analysis supports that this missense variant has a deleterious effect on protein structure/function; Has not been previously published as pathogenic or benign to our knowledge

Greenwood Genetic Center Diagnostic Laboratories, Greenwood Genetic Center
Classification: Uncertain significance. Last evaluated: 2023-04-14. Review status: criteria provided, single submitter. Criteria: ACMG Guidelines, 2015. Collection method: clinical testing. Allele origin: germline. Affected: yes.
Comment: PM2